The following is an entry in ClinVar:

ClinVar aggregate classification (germline): Pathogenic (1 of 4 stars; one submission).

Conditions:
Duchenne muscular dystrophy (DMD). Also called: MUSCULAR DYSTROPHY, PSEUDOHYPERTROPHIC PROGRESSIVE, DUCHENNE TYPE; Duchenne Muscular Dystrophy (DMD). Identifiers: Orphanet 98896, MedGen C0013264, MONDO:0010679, OMIM 310200.

Submission:

Labcorp Genetics (formerly Invitae), Labcorp
Classification: Pathogenic for Duchenne muscular dystrophy. Last evaluated: 2025-09-02. Review status: criteria provided, single submitter. Criteria: Invitae Variant Classification Sherloc (09022015). Collection method: clinical testing. Allele origin: germline.
Comment: This sequence change inserts a large fragment of DNA, likely a transposable element, in exon 48 of the DMD gene (c.7025_7026ins?), causing a frameshift at codon 2343 (p.Trp2343fs). The exact size and sequence of the insertion cannot be determined by the current assay. However, the insertion is expected to result in an absent or disrupted protein product. This variant is not present in population databases (gnomAD no frequency). This variant has not been reported in the literature in individuals affected with DMD-related conditions. Retrotransposon insertions including LINE1 (L1), Alu, and SVA (SINE-VNTR-Alu) have been reported to be disease-causing through disruption of either a coding region or splice site (PMID: 19763152, 20307669, 22406018) and loss-of-function variants in DMD are known to be pathogenic (PMID: 16770791, 25007885). For these reasons, this variant has been classified as Pathogenic.

Literature cited by the submitters: PubMed 19763152; PubMed 20307669; PubMed 22406018; PubMed 16770791; PubMed 25007885.

NM_004006.3(DMD):c.7025_7026insTGGTTTTTTGTTCTTGCGATAGTTTACTGAGAATGATGGTTTCCAATTTCATCCATGTCCCTACANNNNNNNNNNAAAAAAAAAAAAAAAAAAAAAAATCATCTGCTGCT (p.Leu2342_Trp2343insGlyPheLeuPheLeuArgTer)

Gene: DMD (dystrophin; minus strand). Cytogenetic location: Xp21.1.
Variant type: Microsatellite.
Coding change: c.7025_7026insTGGTTTTTTGTTCTTGCGATAGTTTACTGAGAATGATGGTTTCCAATTTCATCCATGTCCCTACANNNNNNNNNNAAAAAAAAAAAAAAAAAAAAAAATCATCTGCTGCT on transcript NM_004006.3 (MANE Select); coding-DNA positions 7025 to 7026, TGGTTTTTTGTTCTTGCGATAGTTTACTGAGAATGATGGTTTCCAATTTCATCCATGTCCCTACANNNNNNNNNNAAAAAAAAAAAAAAAAAAAAAAATCATCTGCTGCT inserted.
Protein change: p.Leu2342_Trp2343insGlyPheLeuPheLeuArgTer.
Molecular consequence: nonsense, inframe insertion. On other transcripts: 5 prime UTR variant (5).
Genome position: GRCh38: chrX:31,875,261-31,875,275. GRCh37 (hg19), VCF-style position (the base before the change): chrX:31,893,377.
Other names: c.7001_7002insTGGTTTTTTGTTCTTGCGATAGTTTACTGAGAATGATGGTTTCCAATTTCATCCATGTCCCTACANNNNNNNNNNAAAAAAAAAAAAAAAAAAAAAAATCATCTGCTGCT, p.Leu2334_Trp2335insGlyPheLeuPheLeuArgTer (NM_000109.4); c.7013_7014insTGGTTTTTTGTTCTTGCGATAGTTTACTGAGAATGATGGTTTCCAATTTCATCCATGTCCCTACANNNNNNNNNNAAAAAAAAAAAAAAAAAAAAAAATCATCTGCTGCT, p.Leu2338_Trp2339insGlyPheLeuPheLeuArgTer (NM_004009.3); c.6656_6657insTGGTTTTTTGTTCTTGCGATAGTTTACTGAGAATGATGGTTTCCAATTTCATCCATGTCCCTACANNNNNNNNNNAAAAAAAAAAAAAAAAAAAAAAATCATCTGCTGCT, p.Leu2219_Trp2220insGlyPheLeuPheLeuArgTer (NM_004010.3); c.3002_3003insTGGTTTTTTGTTCTTGCGATAGTTTACTGAGAATGATGGTTTCCAATTTCATCCATGTCCCTACANNNNNNNNNNAAAAAAAAAAAAAAAAAAAAAAATCATCTGCTGCT, p.Leu1001_Trp1002insGlyPheLeuPheLeuArgTer (NM_004011.4); c.2993_2994insTGGTTTTTTGTTCTTGCGATAGTTTACTGAGAATGATGGTTTCCAATTTCATCCATGTCCCTACANNNNNNNNNNAAAAAAAAAAAAAAAAAAAAAAATCATCTGCTGCT, p.Leu998_Trp999insGlyPheLeuPheLeuArgTer (NM_004012.4); c.-356_-355insTGGTTTTTTGTTCTTGCGATAGTTTACTGAGAATGATGGTTTCCAATTTCATCCATGTCCCTACANNNNNNNNNNAAAAAAAAAAAAAAAAAAAAAAATCATCTGCTGCT (NM_004013.3, NM_004020.4, NM_004021.3 and 2 more transcripts).
Identifiers: ClinVar variation 2760342 (VCV002760342.3).